The following is an entry in ClinVar:

ClinVar aggregate classification (germline): Pathogenic. Review status: criteria provided, multiple submitters, no conflicts (2 of 4 stars). 2 submissions from 2 submitters: Pathogenic (2). Last evaluated 2025-11-19.

Conditions:
Hereditary cancer-predisposing syndrome. Also called: Tumor predisposition; Neoplastic Syndromes, Hereditary; Hereditary Cancer Syndrome; Hereditary neoplastic syndrome. Identifiers: Orphanet 140162, MedGen C0027672, MeSH D009386, MONDO:0015356.
Bloom syndrome (BLM). Also called: Bloom-Torre-Machacek syndrome. Identifiers: Orphanet 125, MedGen C0005859, MONDO:0008876, OMIM 210900.

Submissions (2):

Myriad Genetics, Inc.
Classification: Pathogenic for Bloom syndrome. Last evaluated: 2025-11-19. Review status: criteria provided, single submitter. Criteria: Myriad Autosomal Dominant, Autosomal Recessive and X-Linked Classification Criteria (2023). Collection method: clinical testing. Allele origin: unknown.
Comment: This variant is considered pathogenic. This variant creates a frameshift predicted to result in premature protein truncation.

Ambry Genetics
Classification: Pathogenic for Hereditary cancer-predisposing syndrome. Last evaluated: 2022-08-10. Review status: criteria provided, single submitter. Criteria: Ambry Variant Classification Scheme 2023. Collection method: clinical testing. Allele origin: germline.
Comment: The c.3220_3221insG pathogenic mutation, located in coding exon 16 of the BLM gene, results from an insertion of one nucleotide at position 3220, causing a translational frameshift with a predicted alternate stop codon (p.T1074Sfs*6). This variant is considered to be rare based on population cohorts in the Genome Aggregation Database (gnomAD). This alteration is expected to result in loss of function by premature protein truncation or nonsense-mediated mRNA decay. As such, this alteration is interpreted as a disease-causing mutation.

NM_000057.4(BLM):c.3220_3221insG (p.Thr1074fs)

Gene: BLM (BLM RecQ like helicase; plus strand). Cytogenetic location: 15q26.1.
Variant type: Insertion.
Coding change: c.3220_3221insG on transcript NM_000057.4 (MANE Select); coding-DNA positions 3220 to 3221, G inserted.
Protein change: p.Thr1074fs; shifts the reading frame from threonine 1074.
Molecular consequence: frameshift variant.
Genome position: GRCh38 VCF-style: chr15-90798199-A-AG. GRCh37 (hg19) VCF-style: chr15-91341429-A-AG.
Other names: c.3220_3221insG, p.Thr1074fs (NM_001287246.2, NM_001287247.2); c.2095_2096insG, p.Thr699fs (NM_001287248.2); short protein forms T699fs, T1074fs.
Identifiers: ClinVar variation 1729072 (VCV001729072.3), dbSNP rs2505534228, ClinGen allele CA2580090240.